The following is an entry in ClinVar:

NM_033360.4(KRAS):c.5-11A>G

Gene: KRAS (KRas proto-oncogene, GTPase; minus strand). Cytogenetic location: 12p12.1.
Variant type: single nucleotide variant.
Coding change: c.5-11A>G on transcript NM_033360.4 (MANE Plus Clinical); 11 bases into the intron before coding-DNA position 5, A replaced by G.
Molecular consequence: intron variant.
Genome position (GRCh38, 1-based): chr12:25,209,922, T>C on the plus strand (A>G on the coding strand, the complement: KRAS is on the minus strand). VCF-style: chr12-25209922-T-C. GRCh37 (hg19) VCF-style: chr12-25362856-T-C.
Other names: c.5-11A>G (LRG_344t2, NM_001369786.1); c.451-11A>G (LRG_344t1, NM_001369787.1, NM_004985.5).
Identifiers: ClinVar variation 378062 (VCV000378062.14), dbSNP rs369047577, ClinGen allele CA6486831.

ClinVar aggregate classification (germline): Likely benign. Review status: criteria provided, multiple submitters, no conflicts (2 of 4 stars). 5 submissions from 5 submitters: Likely benign (5). Last evaluated 2025-10-19.

Conditions:
RASopathy. Also called: rasopathies; Noonan spectrum disorder. Identifiers: Orphanet 536391, MedGen C5555857, MONDO:0021060.

Allele frequency attached by ClinVar (database versions not stated): ExAC 0.00005; TOPMed 0.00005; gnomAD exomes 0.00006 and 0.00009; gnomAD 0.00007 and 0.00008; ESP Exome Variant Server 0.00008.
gnomAD v4.1: 134 of 1,591,780 alleles (0.0084%); highest among the groups gnomAD compares: Non-Finnish European, 0.011%; no homozygotes.

Submissions (5):

Labcorp Genetics (formerly Invitae), Labcorp
Classification: Likely benign for RASopathy. Last evaluated: 2025-10-19. Review status: criteria provided, single submitter. Criteria: Invitae Variant Classification Sherloc (09022015). Collection method: clinical testing. Allele origin: germline.

ARUP Laboratories, Molecular Genetics and Genomics, ARUP Laboratories
Classification: Likely benign. Last evaluated: 2023-11-03. Review status: criteria provided, single submitter. Criteria: ARUP Molecular Germline Variant Investigation Process 2024. Collection method: clinical testing. Allele origin: germline.

Blueprint Genetics
Classification: Likely benign. Last evaluated: 2023-09-19. Review status: criteria provided, single submitter. Criteria: ACMG Guidelines, 2015. Collection method: clinical testing. Allele origin: germline.

Laboratory for Molecular Medicine, Mass General Brigham Personalized Medicine
Classification: Likely benign. Last evaluated: 2018-04-06. Review status: criteria provided, single submitter. Criteria: LMM Criteria. Collection method: clinical testing. Allele origin: germline. Observed: 1 variant allele.
Comment: c.451-11A>G in intron 4 of KRAS: This variant is not expected to have clinical s ignificance because it does not alter an amino acid residue and is not located w ithin the splice consensus sequence. Computational tools do not predict an impac t on splicing. It has been identified in 12/124590 European chromosomes by the G enome Aggregation Database (gnomAD; dbSNP rs36 9047577). ACMG/AMP Criteria applied: BS1_Supporting; BP4.

GeneDx
Classification: Likely benign. Last evaluated: 2016-10-03. Review status: criteria provided, single submitter. Criteria: GeneDx Variant Classification (06012015). Collection method: clinical testing. Allele origin: germline. Affected: yes.
Comment: This variant is considered likely benign or benign based on one or more of the following criteria: it is a conservative change, it occurs at a poorly conserved position in the protein, it is predicted to be benign by multiple in silico algorithms, and/or has population frequency not consistent with disease.